The following is an entry in ClinVar:

NM_004208.4(AIFM1):c.44A>C (p.Lys15Thr)

Genes: AIFM1 (apoptosis inducing factor mitochondria associated 1; minus strand), RAB33A (RAB33A, member RAS oncogene family; plus strand), LOC130068679 (ATAC-STARR-seq lymphoblastoid active region 29939; plus strand). Cytogenetic location: Xq26.1.
Variant type: single nucleotide variant.
Coding change: c.44A>C on transcript NM_004208.4 (MANE Select); coding-DNA position 44, A replaced by C.
Protein change: p.Lys15Thr; replaces lysine 15 with threonine.
Molecular consequence: missense variant. On other transcripts: non-coding transcript variant (1).
Genome position (GRCh38, 1-based): chrX:130,165,613, T>G on the plus strand (A>C on the coding strand, the complement: AIFM1 is on the minus strand). VCF-style: chrX-130165613-T-G. GRCh37 (hg19) VCF-style: chrX-129299587-T-G.
Other names: c.44A>C, p.Lys15Thr (NM_001130847.4, NM_145812.3); short protein forms K15T.
Identifiers: ClinVar variation 3363927 (VCV003363927.1).

ClinVar aggregate classification (germline): Uncertain significance (1 of 4 stars; one submission).

Submission:

GeneDx
Classification: Uncertain significance. Last evaluated: 2023-11-07. Review status: criteria provided, single submitter. Criteria: GeneDx Variant Classification Process June 2021. Collection method: clinical testing. Allele origin: germline. Affected: yes.
Comment: Not observed at significant frequency in large population cohorts (gnomAD); In silico analysis supports that this missense variant does not alter protein structure/function; Has not been previously published as pathogenic or benign to our knowledge